The following is an entry in ClinVar:

NM_001348323.3(TRIP12):c.1684C>T (p.Arg562Ter)

Gene: TRIP12 (thyroid hormone receptor interactor 12; minus strand). Cytogenetic location: 2q36.3.
Variant type: single nucleotide variant.
Coding change: c.1684C>T on transcript NM_001348323.3 (MANE Select); coding-DNA position 1684, C replaced by T.
Protein change: p.Arg562Ter; replaces arginine 562 with a stop codon.
Molecular consequence: nonsense.
Genome position (GRCh38, 1-based): chr2:229,815,146, G>A on the plus strand (C>T on the coding strand, the complement: TRIP12 is on the minus strand). VCF-style: chr2-229815146-G-A. GRCh37 (hg19) VCF-style: chr2-230679862-G-A.
Other names: c.1684C>T, p.Arg562Ter (NM_001284214.2, NM_001348315.2, NM_001348319.1 and 11 more transcripts); c.1558C>T, p.Arg520Ter (NM_001284215.2, NM_001348316.2, NM_001348317.1 and 2 more transcripts); c.649C>T, p.Arg217Ter (NM_001284216.2); c.1597C>T, p.Arg533Ter (NM_001348332.1); c.1540C>T, p.Arg514Ter (NM_004238.3); short protein forms R217*, R520*, R562*, R514*, R533*.
Identifiers: ClinVar variation 812668 (VCV000812668.5), dbSNP rs1575419803, ClinGen allele CA350922306.
Genomic context (GRCh38, chr2:229,815,146, plus strand): 5'-AAAGTAGGATCACCTTTTCTAAAAAGACAGGAATAGCATCTACTACAACAGCAGAAGATC[G>A]AGGAAGTGCTTCCATCATGTATGTTAAGGCTCGACAAGCATGGTTCATCTAGAAAAGAAG-3'

ClinVar aggregate classification (germline): Pathogenic (1 of 4 stars; one submission).

Conditions:
Clark-Baraitser syndrome. Also called: Intellectual disability, autosomal dominant 49; MENTAL RETARDATION, AUTOSOMAL DOMINANT 49; BARAITSER SYNDROME; Mental retardation, tall stature, obesity, macrocephaly and typical facial features. Identifiers: Orphanet 600731, MedGen C2931130, MONDO:0030914, OMIM 617752.

Submission:

Institute for Genomic Medicine (IGM) Clinical Laboratory, Nationwide Children's Hospital
Classification: Pathogenic for Clark-Baraitser syndrome. Last evaluated: 2019-01-09. Review status: criteria provided, single submitter. Criteria: ACMG Guidelines, 2015. Collection method: clinical testing. Allele origin: de novo. Affected: yes.
Comment: [ACMG/AMP: PVS1, PS2, PM2]; A de novo mosaic variant [PS2] within the TRIP12 gene was detected and confirmed by sanger sequencing. Most reported pathogenic variants in the gene are de novo nonsense or gene deletions, suggesting haploinsufficiency as the mechanism of disease. This variant leads to a predicted null or shortened protein (stop codon at amino acid 562 of 6123) and is absent from large-scale population databases, including gnomAD [PVS1, PM2].

Literature cited by the submitters: PubMed 27848077; PubMed 28251352.